The following is an entry in ClinVar:

ClinVar aggregate classification (germline): Uncertain significance (1 of 4 stars; one submission).

gnomAD v4.1: 8 of 1,614,130 alleles (0.0005%); highest among the groups gnomAD compares: Admixed American, 0.013%; no homozygotes.

Submission:

Labcorp Genetics (formerly Invitae), Labcorp
Classification: Uncertain significance. Last evaluated: 2025-08-31. Review status: criteria provided, single submitter. Criteria: Invitae Variant Classification Sherloc (09022015). Collection method: clinical testing. Allele origin: germline.
Comment: This sequence change replaces tyrosine, which is neutral and polar, with histidine, which is basic and polar, at codon 670 of the MYH7B protein (p.Tyr670His). This variant is present in population databases (rs759329721, gnomAD 0.02%). This variant has not been reported in the literature in individuals affected with MYH7B-related conditions. Invitae Evidence Modeling of protein sequence and biophysical properties (such as structural, functional, and spatial information, amino acid conservation, physicochemical variation, residue mobility, and thermodynamic stability) indicates that this missense variant is not expected to disrupt MYH7B protein function with a negative predictive value of 80%. In summary, the available evidence is currently insufficient to determine the role of this variant in disease. Therefore, it has been classified as a Variant of Uncertain Significance.

NM_020884.7(MYH7B):c.1882T>C (p.Tyr628His)

Gene: MYH7B (myosin heavy chain 7B; plus strand). Cytogenetic location: 20q11.22.
Variant type: single nucleotide variant.
Coding change: c.1882T>C on transcript NM_020884.7 (MANE Select); coding-DNA position 1882, T replaced by C.
Protein change: p.Tyr628His; replaces tyrosine 628 with histidine.
Molecular consequence: missense variant.
Genome position (GRCh38, 1-based): chr20:34,990,128, T>C. VCF-style: chr20-34990128-T-C. GRCh37 (hg19) VCF-style: chr20-33577931-T-C.
Other names: short protein forms Y628H.
Identifiers: ClinVar variation 4698473 (VCV004698473.1).
Genomic context (GRCh38, chr20:34,990,128, plus strand): 5'-ACCGTGGTCCCCATCTTCCAGAAGTCACAGAATAGGCTCCTGGCGACTCTCTATGAGAAT[T>C]ATGCGGGCTCCTGCTCCAGTGAGTATGGAGGGACAAGATCTCCACTCTGACAGGGGCCCA-3'
Protein context (NP_065935.4, residues 618-638): NRLLATLYEN[Tyr628His]AGSCSTEPPK